The following is an entry in ClinVar:

NM_002474.3(MYH11):c.3646A>G (p.Lys1216Glu)

Gene: MYH11 (myosin heavy chain 11; minus strand). Cytogenetic location: 16p13.11.
Variant type: single nucleotide variant.
Coding change: c.3646A>G on transcript NM_002474.3 (MANE Select); coding-DNA position 3646, A replaced by G.
Protein change: p.Lys1216Glu; replaces lysine 1216 with glutamic acid.
Molecular consequence: missense variant.
Genome position (GRCh38, 1-based): chr16:15,732,569, T>C on the plus strand (A>G on the coding strand, the complement: MYH11 is on the minus strand). VCF-style: chr16-15732569-T-C. GRCh37 (hg19) VCF-style: chr16-15826426-T-C.
Other names: c.3667A>G, p.Lys1223Glu (NM_001040113.2, NM_001040114.2); c.3646A>G, p.Lys1216Glu (NM_022844.3); short protein forms K1216E, K1223E.
Identifiers: ClinVar variation 4756419 (VCV004756419.1).

ClinVar aggregate classification (germline): Uncertain significance (1 of 4 stars; one submission).

Conditions:
Familial thoracic aortic aneurysm and aortic dissection (TAAD). Also called: Thoracic aortic aneurysms and dissections. Identifiers: Orphanet 91387, MedGen C4707243, MONDO:0019625.

Submission:

Color Diagnostics, LLC DBA Color Health
Classification: Uncertain significance for Familial thoracic aortic aneurysm and aortic dissection. Last evaluated: 2025-09-22. Review status: criteria provided, single submitter. Criteria: ACMG Guidelines, 2015. Collection method: clinical testing. Allele origin: germline.
Comment: This missense variant replaces lysine with glutamic acid at codon 1223 of the MYH11 protein. Computational prediction suggests that this variant may have deleterious impact on protein structure and function. To our knowledge, functional studies have not been reported for this variant. This variant has not been reported in individuals affected with MYH11-related disorders in the literature. This variant has not been identified in the general population by the Genome Aggregation Database (gnomAD). The available evidence is insufficient to determine the role of this variant in disease conclusively. Therefore, this variant is classified as a Variant of Uncertain Significance.